The following is an entry in ClinVar:

NM_001369.3(DNAH5):c.7742A>G (p.Lys2581Arg)

Gene: DNAH5 (dynein axonemal heavy chain 5; minus strand). Cytogenetic location: 5p15.2.
Variant type: single nucleotide variant.
Coding change: c.7742A>G on transcript NM_001369.3 (MANE Select); coding-DNA position 7742, A replaced by G.
Protein change: p.Lys2581Arg; replaces lysine 2581 with arginine.
Molecular consequence: missense variant.
Genome position (GRCh38, 1-based): chr5:13,809,054, T>C on the plus strand (A>G on the coding strand, the complement: DNAH5 is on the minus strand). VCF-style: chr5-13809054-T-C. GRCh37 (hg19) VCF-style: chr5-13809163-T-C.
Other names: short protein forms K2581R.
Identifiers: ClinVar variation 1046583 (VCV001046583.20), dbSNP rs1279883936, ClinGen allele CA359229500.

ClinVar aggregate classification (germline): Uncertain significance. Review status: criteria provided, single submitter (1 of 4 stars). 2 submissions from 2 submitters: Uncertain significance (1). 1 of the submissions does not count toward it. Last evaluated 2022-08-23.

Conditions:
Primary ciliary dyskinesia. Also called: Ciliary dyskinesia. Identifiers: Orphanet 244, MedGen C0008780, MONDO:0016575, HP:0012265.

Allele frequency attached by ClinVar (database versions not stated): gnomAD exomes below 0.00001; TOPMed below 0.00001.
gnomAD v4.1: 6 of 1,614,184 alleles (0.00037%); highest among the groups gnomAD compares: East Asian, 0.013%; no homozygotes.

Submissions (2):

Labcorp Genetics (formerly Invitae), Labcorp
Classification: Uncertain significance for Primary ciliary dyskinesia. Last evaluated: 2022-08-23. Review status: criteria provided, single submitter. Criteria: Invitae Variant Classification Sherloc (09022015). Collection method: clinical testing. Allele origin: germline.
Comment: This sequence change replaces lysine, which is basic and polar, with arginine, which is basic and polar, at codon 2581 of the DNAH5 protein (p.Lys2581Arg). This variant is not present in population databases (gnomAD no frequency). This variant has not been reported in the literature in individuals affected with DNAH5-related conditions. ClinVar contains an entry for this variant (Variation ID: 1046583). Advanced modeling of protein sequence and biophysical properties (such as structural, functional, and spatial information, amino acid conservation, physicochemical variation, residue mobility, and thermodynamic stability) performed at Invitae indicates that this missense variant is not expected to disrupt DNAH5 protein function. Algorithms developed to predict the effect of sequence changes on RNA splicing suggest that this variant may create or strengthen a splice site. In summary, the available evidence is currently insufficient to determine the role of this variant in disease. Therefore, it has been classified as a Variant of Uncertain Significance.

Natera, Inc.
Classification: Uncertain significance for Primary ciliary dyskinesia. Last evaluated: 2021-02-06. Review status: no assertion criteria provided. Collection method: clinical testing. Allele origin: germline. Not counted in ClinVar's aggregate classification.